The following is an entry in ClinVar:

NM_000316.3(PTH1R):c.875T>C (p.Leu292Pro)

Gene: PTH1R (parathyroid hormone 1 receptor; plus strand). Cytogenetic location: 3p21.31.
Variant type: single nucleotide variant.
Coding change: c.875T>C on transcript NM_000316.3 (MANE Select); coding-DNA position 875, T replaced by C.
Protein change: p.Leu292Pro; replaces leucine 292 with proline.
Molecular consequence: missense variant.
Genome position (GRCh38, 1-based): chr3:46,899,343, T>C. VCF-style: chr3-46899343-T-C. GRCh37 (hg19) VCF-style: chr3-46940833-T-C.
Other names: c.875T>C, p.Leu292Pro (NM_001184744.1); short protein forms L292P.
Identifiers: ClinVar variation 64403 (VCV000064403.2), dbSNP rs387907459, ClinGen allele CA216068.

ClinVar aggregate classification (germline): Uncertain significance (0 of 4 stars; one submission).

Allele frequency attached by ClinVar (database versions not stated): gnomAD exomes below 0.00001.

Submission:

Martin Pollak Laboratory,  Beth Israel Deaconess Medical Center
Classification: Uncertain significance. Review status: no assertion criteria provided. Collection method: not provided. Allele origin: unknown.
Comment: Lower UCa2+ group
ClinVar note: Converted during submission from unknown to Uncertain significance.